The following is an entry in ClinVar:

ClinVar aggregate classification (germline): Likely pathogenic (1 of 4 stars; one submission).

Submission:

Labcorp Genetics (formerly Invitae), Labcorp
Classification: Likely pathogenic. Last evaluated: 2022-07-14. Review status: criteria provided, single submitter. Criteria: Invitae Variant Classification Sherloc (09022015). Collection method: clinical testing. Allele origin: germline.
Comment: This sequence change affects an acceptor splice site in intron 43 of the ABCA4 gene. It is expected to disrupt RNA splicing. Variants that disrupt the donor or acceptor splice site typically lead to a loss of protein function (PMID: 16199547), and loss-of-function variants in ABCA4 are known to be pathogenic (PMID: 10958761, 24938718, 25312043, 26780318). This variant is not present in population databases (gnomAD no frequency). This variant has not been reported in the literature in individuals affected with ABCA4-related conditions. Algorithms developed to predict the effect of sequence changes on RNA splicing suggest that this variant may disrupt the consensus splice site. In summary, the currently available evidence indicates that the variant is pathogenic, but additional data are needed to prove that conclusively. Therefore, this variant has been classified as Likely Pathogenic.

Literature cited by the submitters: PubMed 16199547; PubMed 10958761; PubMed 24938718; PubMed 25312043; PubMed 26780318.

NM_000350.3(ABCA4):c.6006-2A>G

Gene: ABCA4 (ATP binding cassette subfamily A member 4; minus strand). Cytogenetic location: 1p22.1.
Variant type: single nucleotide variant.
Coding change: c.6006-2A>G on transcript NM_000350.3 (MANE Select); the canonical splice acceptor site of the intron before coding-DNA position 6006, A replaced by G.
Molecular consequence: splice acceptor variant.
Genome position (GRCh38, 1-based): chr1:94,005,584, T>C on the plus strand (A>G on the coding strand, the complement: ABCA4 is on the minus strand). VCF-style: chr1-94005584-T-C. GRCh37 (hg19) VCF-style: chr1-94471140-T-C.
Identifiers: ClinVar variation 2017132 (VCV002017132.4), dbSNP rs2523638497, ClinGen allele CA341279249.